The following is an entry in ClinVar:

NM_000193.4(SHH):c.967G>A (p.Gly323Arg)

Gene: SHH (sonic hedgehog signaling molecule; minus strand). Cytogenetic location: 7q36.3.
Variant type: single nucleotide variant.
Coding change: c.967G>A on transcript NM_000193.4 (MANE Select); coding-DNA position 967, G replaced by A.
Protein change: p.Gly323Arg; replaces glycine 323 with arginine.
Molecular consequence: missense variant. On other transcripts: intron variant (1).
Genome position (GRCh38, 1-based): chr7:155,803,322, C>T on the plus strand (G>A on the coding strand, the complement: SHH is on the minus strand). VCF-style: chr7-155803322-C-T. GRCh37 (hg19) VCF-style: chr7-155596016-C-T.
Other names: c.301+2974G>A (NM_001310462.2); short protein forms G323R.
Identifiers: ClinVar variation 1878721 (VCV001878721.1), dbSNP rs1803248792, ClinGen allele CA370145526.

ClinVar aggregate classification (germline): Uncertain significance (1 of 4 stars; one submission).

Allele frequency attached by ClinVar (database versions not stated): TOPMed 0.00001.
gnomAD v4.1: 2 of 1,475,638 alleles (0.00014%); highest among the groups gnomAD compares: Non-Finnish European, 0.00018%; no homozygotes.

Submission:

GeneDx
Classification: Uncertain significance. Last evaluated: 2023-01-10. Review status: criteria provided, single submitter. Criteria: GeneDx Variant Classification Process June 2021. Collection method: clinical testing. Allele origin: germline. Affected: yes.
Comment: Not observed at significant frequency in large population cohorts (gnomAD); In silico analysis supports that this missense variant has a deleterious effect on protein structure/function; Has not been previously published as pathogenic or benign to our knowledge